The following is an entry in ClinVar:

ClinVar aggregate classification (germline): Benign (3 of 4 stars; one submission).

Conditions:
Breast-ovarian cancer, familial, susceptibility to, 1 (BROVCA1). Also called: BRCA1 Hereditary Breast and Ovarian Cancer; OVARIAN CANCER, SUSCEPTIBILITY TO. Identifiers: Orphanet 145, MedGen C2676676, MONDO:0011450, OMIM 604370. Disease mechanism: loss of function.

Allele frequency attached by ClinVar (database versions not stated): 1000 Genomes Project 0.00659; 1000 Genomes Project 30x 0.00671; TOPMed 0.00675; gnomAD 0.00595 and 0.00649.
gnomAD v4.1: 894 of 151,398 alleles (0.59%); highest among the groups gnomAD compares: African/African-American, 2.1%; 14 homozygotes.

Submission:

Evidence-based Network for the Interpretation of Germline Mutant Alleles (ENIGMA)
Classification: Benign for Breast-ovarian cancer, familial 1. Last evaluated: 2015-01-12. Review status: reviewed by expert panel. Criteria: ENIGMA BRCA1/2 Classification Criteria (2015). Collection method: curation. Allele origin: germline.
Comment: Class 1 not pathogenic based on frequency >1% in an outbred sampleset. Frequency 0.02846 (African), derived from 1000 genomes (2012-04-30).

NM_007294.4(BRCA1):c.4485-340G>A

Gene: BRCA1 (BRCA1 DNA repair associated; minus strand). Cytogenetic location: 17q21.31.
Variant type: single nucleotide variant.
Coding change: c.4485-340G>A on transcript NM_007294.4 (MANE Select); 340 bases into the intron before coding-DNA position 4485, G replaced by A.
Molecular consequence: intron variant.
Genome position (GRCh38, 1-based): chr17:43,074,861, C>T on the plus strand (G>A on the coding strand, the complement: BRCA1 is on the minus strand). VCF-style: chr17-43074861-C-T. GRCh37 (hg19) VCF-style: chr17-41226878-C-T.
Other names: IVS 14-340G>A; c.1032-340G>A (NM_001408458.1, NM_001408461.1, NM_001408464.1 and 7 more transcripts); c.3594-340G>A (NM_001407967.1); c.4104-340G>A (NM_001407959.1); c.4218-340G>A (NM_001407931.1, NM_001407932.1, NM_001407928.1 and 4 more transcripts); c.4341-340G>A (NM_001407747.1, NM_001407745.1, NM_001407737.1 and 21 more transcripts); c.4101-340G>A (NM_001407962.1, NM_001407960.1); c.672-340G>A (NM_001408512.1); and 72 more.
Identifiers: ClinVar variation 209377 (VCV000209377.2), dbSNP rs8176209, ClinGen allele CA276349.